The following is an entry in ClinVar:

ClinVar aggregate classification (germline): Uncertain significance (1 of 4 stars; one submission).

Conditions:
Holocarboxylase synthetase deficiency. Also called: MULTIPLE CARBOXYLASE DEFICIENCY, EARLY ONSET. Identifiers: Orphanet 79242, MedGen C0268581, MONDO:0009666, OMIM 253270.

Submission:

Labcorp Genetics (formerly Invitae), Labcorp
Classification: Uncertain significance for Holocarboxylase synthetase deficiency. Last evaluated: 2024-02-08. Review status: criteria provided, single submitter. Criteria: Invitae Variant Classification Sherloc (09022015). Collection method: clinical testing. Allele origin: germline.
Comment: This sequence change replaces proline, which is neutral and non-polar, with arginine, which is basic and polar, at codon 709 of the HLCS protein (p.Pro709Arg). This variant is not present in population databases (gnomAD no frequency). This missense change has been observed in individual(s) with holocarboxylase synthetase deficiency (Invitae). Advanced modeling of protein sequence and biophysical properties (such as structural, functional, and spatial information, amino acid conservation, physicochemical variation, residue mobility, and thermodynamic stability) performed at Invitae indicates that this missense variant is expected to disrupt HLCS protein function with a positive predictive value of 80%. This variant disrupts the p.Pro709 amino acid residue in HLCS. Other variant(s) that disrupt this residue have been observed in individuals with HLCS-related conditions (PMID: 27604308, 36890565), which suggests that this may be a clinically significant amino acid residue. In summary, the available evidence is currently insufficient to determine the role of this variant in disease. Therefore, it has been classified as a Variant of Uncertain Significance.

Literature cited by the submitters: PubMed 27604308; PubMed 36890565.

NM_001352514.2(HLCS):c.2567C>G (p.Pro856Arg)

Gene: HLCS (holocarboxylase synthetase; minus strand). Cytogenetic location: 21q22.13.
Variant type: single nucleotide variant.
Coding change: c.2567C>G on transcript NM_001352514.2 (MANE Select); coding-DNA position 2567, C replaced by G.
Protein change: p.Pro856Arg; replaces proline 856 with arginine.
Molecular consequence: missense variant. On other transcripts: non-coding transcript variant (2).
Genome position (GRCh38, 1-based): chr21:36,754,301, G>C on the plus strand (C>G on the coding strand, the complement: HLCS is on the minus strand). VCF-style: chr21-36754301-G-C. GRCh37 (hg19) VCF-style: chr21-38126602-G-C.
Other names: c.2126C>G, p.Pro709Arg (NM_000411.8, NM_001242784.3, NM_001242785.2 and 4 more transcripts); short protein forms P709R, P856R.
Identifiers: ClinVar variation 3615600 (VCV003615600.2).